The following is an entry in ClinVar:

NM_000038.6(APC):c.4867A>C (p.Arg1623=)

Gene: APC (APC regulator of Wnt signaling pathway; plus strand). Cytogenetic location: 5q22.2.
Variant type: single nucleotide variant.
Coding change: c.4867A>C on transcript NM_000038.6 (MANE Select); coding-DNA position 4867, A replaced by C.
Protein change: p.Arg1623=; no amino-acid change (arginine 1623 retained).
Molecular consequence: synonymous variant.
Genome position (GRCh38, 1-based): chr5:112,840,461, A>C. VCF-style: chr5-112840461-A-C. GRCh37 (hg19) VCF-style: chr5-112176158-A-C.
Other names: c.4594A>C, p.Arg1532= (NM_001354902.2); c.4564A>C, p.Arg1522= (NM_001354903.2); c.4489A>C, p.Arg1497= (NM_001354904.2); c.4387A>C, p.Arg1463= (NM_001354905.2); c.4018A>C, p.Arg1340= (NM_001354906.2); c.4867A>C, p.Arg1623= (NM_001127510.3, NM_001354895.2); c.4813A>C, p.Arg1605= (NM_001127511.3); c.4921A>C, p.Arg1641= (NM_001354896.2); and 5 more.
Identifiers: ClinVar variation 389914 (VCV000389914.10), dbSNP rs1057523581, ClinGen allele CA16604669.

ClinVar aggregate classification (germline): Benign/Likely benign. Review status: criteria provided, multiple submitters, no conflicts (2 of 4 stars). 5 submissions from 5 submitters: Benign (1); Likely benign (4). Last evaluated 2025-10-11.

Conditions:
Hereditary cancer-predisposing syndrome. Also called: Hereditary Cancer Syndrome; Hereditary neoplastic syndrome; Neoplastic Syndromes, Hereditary; Tumor predisposition. Identifiers: Orphanet 140162, MedGen C0027672, MeSH D009386, MONDO:0015356.
Familial adenomatous polyposis 1 (FAP1). Also called: FAMILIAL ADENOMATOUS POLYPOSIS 1, ATTENUATED; POLYPOSIS, ADENOMATOUS INTESTINAL. Identifiers: MedGen C2713442, MONDO:0021056, OMIM 175100. Disease mechanism: loss of function.

Allele frequency attached by ClinVar (database versions not stated): TOPMed below 0.00001.

Submissions (5):

Ambry Genetics
Classification: Likely benign for Hereditary cancer-predisposing syndrome. Last evaluated: 2025-10-11. Review status: criteria provided, single submitter. Criteria: Ambry Variant Classification Scheme 2023. Collection method: clinical testing. Allele origin: germline.

Labcorp Genetics (formerly Invitae), Labcorp
Classification: Likely benign for Familial adenomatous polyposis 1. Last evaluated: 2025-06-03. Review status: criteria provided, single submitter. Criteria: Invitae Variant Classification Sherloc (09022015). Collection method: clinical testing. Allele origin: germline.

Myriad Genetics, Inc.
Classification: Benign for Familial adenomatous polyposis 1. Last evaluated: 2024-03-28. Review status: criteria provided, single submitter. Criteria: Myriad Autosomal Dominant, Autosomal Recessive and X-Linked Classification Criteria (2023). Collection method: clinical testing. Allele origin: unknown.
Comment: This variant is considered benign. This variant is a silent/synonymous amino acid change and it is not expected to impact splicing.

Color Diagnostics, LLC DBA Color Health
Classification: Likely benign for Hereditary cancer-predisposing syndrome. Last evaluated: 2019-01-07. Review status: criteria provided, single submitter. Criteria: ACMG Guidelines, 2015. Collection method: clinical testing. Allele origin: germline.

GeneDx
Classification: Likely benign. Last evaluated: 2016-10-10. Review status: criteria provided, single submitter. Criteria: GeneDx Variant Classification (06012015). Collection method: clinical testing. Allele origin: germline. Affected: yes.
Comment: This variant is considered likely benign or benign based on one or more of the following criteria: it is a conservative change, it occurs at a poorly conserved position in the protein, it is predicted to be benign by multiple in silico algorithms, and/or has population frequency not consistent with disease.